The following is an entry in ClinVar:

NM_004046.6(ATP5F1A):c.310-18A>G

Gene: ATP5F1A (ATP synthase F1 subunit alpha; minus strand). Cytogenetic location: 18q21.1.
Variant type: single nucleotide variant.
Coding change: c.310-18A>G on transcript NM_004046.6 (MANE Select); 18 bases into the intron before coding-DNA position 310, A replaced by G.
Molecular consequence: intron variant.
Genome position (GRCh38, 1-based): chr18:46,090,014, T>C on the plus strand (A>G on the coding strand, the complement: ATP5F1A is on the minus strand). VCF-style: chr18-46090014-T-C. GRCh37 (hg19) VCF-style: chr18-43669980-T-C.
Other names: c.310-18A>G (NM_001001937.2, NM_001257334.2); c.160-18A>G (NM_001001935.3, NM_001257335.2).
Identifiers: ClinVar variation 377534 (VCV000377534.10), dbSNP rs2298787, ClinGen allele CA8950834.

ClinVar aggregate classification (germline): Benign. Review status: criteria provided, multiple submitters, no conflicts (2 of 4 stars). 3 submissions from 3 submitters: Benign (3). Last evaluated 2026-02-03.

Allele frequency attached by ClinVar (database versions not stated): 1000 Genomes Project 0.31589; 1000 Genomes Project 30x 0.32324; gnomAD 0.37419; TOPMed 0.37711; ExAC 0.38162; ESP Exome Variant Server 0.40996.
gnomAD v4.1: 633,708 of 1,540,656 alleles (41%); highest among the groups gnomAD compares: Middle Eastern, 52%; 132,774 homozygotes.

Submissions (3):

Labcorp Genetics (formerly Invitae), Labcorp
Classification: Benign. Last evaluated: 2026-02-03. Review status: criteria provided, single submitter. Criteria: Invitae Variant Classification Sherloc (09022015). Collection method: clinical testing. Allele origin: germline.

GeneDx
Classification: Benign. Last evaluated: 2015-12-02. Review status: criteria provided, single submitter. Criteria: GeneDx Variant Classification (06012015). Collection method: clinical testing. Allele origin: germline. Affected: yes.
Comment: This variant is considered likely benign or benign based on one or more of the following criteria: it is a conservative change, it occurs at a poorly conserved position in the protein, it is predicted to be benign by multiple in silico algorithms, and/or has population frequency not consistent with disease.

Breakthrough Genomics
Classification: Benign. Review status: criteria provided, single submitter. Criteria: ACMG Guidelines, 2015. Collection method: not provided. Allele origin: germline. Inheritance: Autosomal recessive inheritance. Affected: yes.